The following is an entry in ClinVar:

ClinVar aggregate classification (germline): Uncertain significance. Review status: criteria provided, multiple submitters, no conflicts (2 of 4 stars). 2 submissions from 2 submitters: Uncertain significance (2). Last evaluated 2023-07-07.

Allele frequency attached by ClinVar (database versions not stated): gnomAD 0.00001; gnomAD exomes 0.00001; TOPMed 0.00001; ExAC 0.00002.
gnomAD v4.1: 13 of 1,610,864 alleles (0.00081%); highest among the groups gnomAD compares: Middle Eastern, 0.016%; no homozygotes.

Submissions (2):

Labcorp Genetics (formerly Invitae), Labcorp
Classification: Uncertain significance. Last evaluated: 2023-07-07. Review status: criteria provided, single submitter. Criteria: Invitae Variant Classification Sherloc (09022015). Collection method: clinical testing. Allele origin: germline.
Comment: This sequence change replaces alanine, which is neutral and non-polar, with valine, which is neutral and non-polar, at codon 62 of the PSMG2 protein (p.Ala62Val). This variant is present in population databases (rs751761960, gnomAD 0.003%). This variant has not been reported in the literature in individuals affected with PSMG2-related conditions. ClinVar contains an entry for this variant (Variation ID: 1439549). An algorithm developed to predict the effect of missense changes on protein structure and function (PolyPhen-2) suggests that this variant is likely to be disruptive. In summary, the available evidence is currently insufficient to determine the role of this variant in disease. Therefore, it has been classified as a Variant of Uncertain Significance.

Ambry Genetics
Classification: Uncertain significance. Last evaluated: 2023-02-07. Review status: criteria provided, single submitter. Criteria: Ambry Variant Classification Scheme 2023. Collection method: clinical testing. Allele origin: germline.

NM_020232.5(PSMG2):c.185C>T (p.Ala62Val)

Gene: PSMG2 (proteasome assembly chaperone 2; plus strand). Cytogenetic location: 18p11.21.
Variant type: single nucleotide variant.
Coding change: c.185C>T on transcript NM_020232.5 (MANE Select); coding-DNA position 185, C replaced by T.
Protein change: p.Ala62Val; replaces alanine 62 with valine.
Molecular consequence: missense variant.
Genome position (GRCh38, 1-based): chr18:12,706,677, C>T. VCF-style: chr18-12706677-C-T. GRCh37 (hg19) VCF-style: chr18-12706676-C-T.
Other names: c.92C>T, p.Ala31Val (NM_147163.2); c.185C>T (NM_020232.4); short protein forms A62V, A31V.
Identifiers: ClinVar variation 1439549 (VCV001439549.9), dbSNP rs751761960, ClinGen allele CA8898308.